The following is an entry in ClinVar:

ClinVar aggregate classification (germline): Uncertain significance. Review status: criteria provided, multiple submitters, no conflicts (2 of 4 stars). 2 submissions from 2 submitters: Uncertain significance (2). Last evaluated 2024-07-09.

Conditions:
Hypertrophic cardiomyopathy 26. Also called: Cardiomyopathy, familial hypertrophic, 26. Identifiers: Orphanet 75249, MedGen C4310749, MONDO:0014883, OMIM 617047.
Myofibrillar myopathy 5. Also called: Filaminopathy (type); FILAMINOPATHY, AUTOSOMAL DOMINANT. Identifiers: Orphanet 171445, MedGen C1836050, MONDO:0012289, OMIM 609524.
Distal myopathy with posterior leg and anterior hand involvement. Also called: WILLIAMS DISTAL MYOPATHY. Identifiers: Orphanet 63273, MedGen C3279722, MONDO:0013550, OMIM 614065.

Submissions (2):

GeneDx
Classification: Uncertain significance. Last evaluated: 2024-07-09. Review status: criteria provided, single submitter. Criteria: GeneDx Variant Classification Process June 2021. Collection method: clinical testing. Allele origin: germline. Affected: yes.
Comment: Not observed at significant frequency in large population cohorts (gnomAD); In silico analysis supports that this missense variant has a deleterious effect on protein structure/function; Has not been previously published as pathogenic or benign to our knowledge

Labcorp Genetics (formerly Invitae), Labcorp
Classification: Uncertain significance for Distal myopathy with posterior leg and anterior hand involvement; Myofibrillar myopathy 5; Hypertrophic cardiomyopathy 26. Last evaluated: 2024-04-08. Review status: criteria provided, single submitter. Criteria: Invitae Variant Classification Sherloc (09022015). Collection method: clinical testing. Allele origin: germline.
Comment: This sequence change replaces glutamic acid, which is acidic and polar, with lysine, which is basic and polar, at codon 30 of the FLNC protein (p.Glu30Lys). This variant is not present in population databases (gnomAD no frequency). This variant has not been reported in the literature in individuals affected with FLNC-related conditions. ClinVar contains an entry for this variant (Variation ID: 1506416). Advanced modeling of protein sequence and biophysical properties (such as structural, functional, and spatial information, amino acid conservation, physicochemical variation, residue mobility, and thermodynamic stability) has been performed at Invitae for this missense variant, however the output from this modeling did not meet the statistical confidence thresholds required to predict the impact of this variant on FLNC protein function. In summary, the available evidence is currently insufficient to determine the role of this variant in disease. Therefore, it has been classified as a Variant of Uncertain Significance.

NM_001458.5(FLNC):c.88G>A (p.Glu30Lys)

Gene: FLNC (filamin C; plus strand). Cytogenetic location: 7q32.1.
Variant type: single nucleotide variant.
Coding change: c.88G>A on transcript NM_001458.5 (MANE Select); coding-DNA position 88, G replaced by A.
Protein change: p.Glu30Lys; replaces glutamic acid 30 with lysine.
Molecular consequence: missense variant.
Genome position (GRCh38, 1-based): chr7:128,830,725, G>A. VCF-style: chr7-128830725-G-A. GRCh37 (hg19) VCF-style: chr7-128470779-G-A.
Other names: c.88G>A (NM_001458.4); c.88G>A, p.Glu30Lys (NM_001127487.2); short protein forms E30K.
Identifiers: ClinVar variation 1506416 (VCV001506416.9), dbSNP rs2128932116, ClinGen allele CA369215666.